The following is an entry in ClinVar:

NM_000372.5(TYR):c.114G>A (p.Pro38=)

Gene: TYR (tyrosinase; plus strand). Cytogenetic location: 11q14.3.
Variant type: single nucleotide variant.
Coding change: c.114G>A on transcript NM_000372.5 (MANE Select); coding-DNA position 114, G replaced by A.
Protein change: p.Pro38=; no amino-acid change (proline 38 retained).
Molecular consequence: synonymous variant.
Genome position (GRCh38, 1-based): chr11:89,178,067, G>A. VCF-style: chr11-89178067-G-A. GRCh37 (hg19) VCF-style: chr11-88911235-G-A.
Identifiers: ClinVar variation 255956 (VCV000255956.18), dbSNP rs1939261, ClinGen allele CA6221042.

ClinVar aggregate classification (germline): Benign/Likely benign. Review status: criteria provided, multiple submitters, no conflicts (2 of 4 stars). 5 submissions from 5 submitters: Benign (3); Likely benign (2). Last evaluated 2026-01-31.

Conditions:
Oculocutaneous albinism. Identifiers: Orphanet 55, MedGen C0078918, MONDO:0018910.

Allele frequency attached by ClinVar (database versions not stated): gnomAD exomes 0.00392; ExAC 0.00457; 1000 Genomes Project 0.01278; 1000 Genomes Project 30x 0.01296; gnomAD 0.01433 and 0.01561; TOPMed 0.01543; ESP Exome Variant Server 0.01723.
gnomAD v4.1: 4,522 of 1,614,160 alleles (0.28%); highest among the groups gnomAD compares: African/African-American, 5.1%; 106 homozygotes.

Submissions (5):

Labcorp Genetics (formerly Invitae), Labcorp
Classification: Benign. Last evaluated: 2026-01-31. Review status: criteria provided, single submitter. Criteria: Invitae Variant Classification Sherloc (09022015). Collection method: clinical testing. Allele origin: germline.

GeneDx
Classification: Benign. Last evaluated: 2021-05-05. Review status: criteria provided, single submitter. Criteria: GeneDx Variant Classification Process June 2021. Collection method: clinical testing. Allele origin: germline. Affected: yes.

Illumina Laboratory Services, Illumina
Classification: Benign for Oculocutaneous albinism. Last evaluated: 2018-01-13. Review status: criteria provided, single submitter. Criteria: ICSL Variant Classification Criteria 13 December 2019. Collection method: clinical testing. Allele origin: germline.
Comment: This variant was observed in the ICSL laboratory as part of a predisposition screen in an ostensibly healthy population. It had not been previously curated by ICSL or reported in the Human Gene Mutation Database (HGMD: prior to June 1st, 2018), and was therefore a candidate for classification through an automated scoring system. Utilizing variant allele frequency, disease prevalence and penetrance estimates, and inheritance mode, an automated score was calculated to assess if this variant is too frequent to cause the disease. Based on the score and internal cut-off values, a variant classified as benign is not then subjected to further curation. The score for this variant resulted in a classification of benign for this disease.

Breakthrough Genomics
Classification: Likely benign. Review status: criteria provided, single submitter. Criteria: ACMG Guidelines, 2015. Collection method: not provided. Allele origin: germline. Inheritance: Autosomal recessive inheritance. Affected: yes.

PreventionGenetics, part of Exact Sciences
Classification: Likely benign. Review status: criteria provided, single submitter. Criteria: ACMG Guidelines, 2015. Collection method: clinical testing. Allele origin: germline.